The following is an entry in ClinVar:

NM_004519.4(KCNQ3):c.2507G>T (p.Gly836Val)

Gene: KCNQ3 (potassium voltage-gated channel subfamily Q member 3; minus strand). Cytogenetic location: 8q24.22.
Variant type: single nucleotide variant.
Coding change: c.2507G>T on transcript NM_004519.4 (MANE Select); coding-DNA position 2507, G replaced by T.
Protein change: p.Gly836Val; replaces glycine 836 with valine.
Molecular consequence: missense variant.
Genome position (GRCh38, 1-based): chr8:132,129,374, C>A on the plus strand (G>T on the coding strand, the complement: KCNQ3 is on the minus strand). VCF-style: chr8-132129374-C-A. GRCh37 (hg19) VCF-style: chr8-133141621-C-A.
Other names: c.2147G>T, p.Gly716Val (NM_001204824.2); short protein forms G836V, G716V.
Identifiers: ClinVar variation 4741599 (VCV004741599.1).

ClinVar aggregate classification (germline): Uncertain significance (1 of 4 stars; one submission).

Conditions:
Benign neonatal seizures. Also called: Benign neonatal familial convulsions; Convulsions benign familial neonatal dominant form; Autosomal dominant form of benign neonatal seizures; Benign familial neonatal seizures; Benign familial neonatal epilepsy. Identifiers: Orphanet 1949, MedGen C0220669, MONDO:0016027.

Submission:

Labcorp Genetics (formerly Invitae), Labcorp
Classification: Uncertain significance for Benign neonatal seizures. Last evaluated: 2025-09-16. Review status: criteria provided, single submitter. Criteria: Invitae Variant Classification Sherloc (09022015). Collection method: clinical testing. Allele origin: germline.
Comment: This sequence change replaces glycine, which is neutral and non-polar, with valine, which is neutral and non-polar, at codon 836 of the KCNQ3 protein (p.Gly836Val). This variant is not present in population databases (gnomAD no frequency). This variant has not been reported in the literature in individuals affected with KCNQ3-related conditions. Invitae Evidence Modeling of protein sequence and biophysical properties (such as structural, functional, and spatial information, amino acid conservation, physicochemical variation, residue mobility, and thermodynamic stability) has been performed for this missense variant. However, the output from this modeling did not meet the statistical confidence thresholds required to predict the impact of this variant on KCNQ3 protein function. In summary, the available evidence is currently insufficient to determine the role of this variant in disease. Therefore, it has been classified as a Variant of Uncertain Significance.